The following is an entry in ClinVar:

NM_004082.5(DCTN1):c.2493G>C (p.Arg831Ser)

Gene: DCTN1 (dynactin subunit 1; minus strand). Cytogenetic location: 2p13.1.
Variant type: single nucleotide variant.
Coding change: c.2493G>C on transcript NM_004082.5 (MANE Select); coding-DNA position 2493, G replaced by C.
Protein change: p.Arg831Ser; replaces arginine 831 with serine.
Molecular consequence: missense variant. On other transcripts: non-coding transcript variant (1).
Genome position (GRCh38, 1-based): chr2:74,366,594, C>G on the plus strand (G>C on the coding strand, the complement: DCTN1 is on the minus strand). VCF-style: chr2-74366594-C-G. GRCh37 (hg19) VCF-style: chr2-74593721-C-G.
Other names: c.2382G>C, p.Arg794Ser (NM_001190836.2); c.2424G>C, p.Arg808Ser (NM_001378992.1); c.2472G>C, p.Arg824Ser (NM_001190837.2); c.2442G>C, p.Arg814Ser (NM_001378991.1); c.2433G>C, p.Arg811Ser (NM_001135040.3); c.2091G>C, p.Arg697Ser (NM_001135041.3, NM_023019.4); short protein forms R697S, R794S, R814S, R824S, R808S, R831S, R811S.
Identifiers: ClinVar variation 1997890 (VCV001997890.4), dbSNP rs1182157689, ClinGen allele CA347346783.

ClinVar aggregate classification (germline): Uncertain significance (1 of 4 stars; one submission).

Conditions:
Amyotrophic lateral sclerosis type 1 (ALS1). Also called: AMYOTROPHIC LATERAL SCLEROSIS 1, FAMILIAL. Identifiers: Orphanet 803, MedGen C1862939, MONDO:0007103, OMIM 105400.
Perry syndrome. Also called: PARKINSONISM WITH ALVEOLAR HYPOVENTILATION AND MENTAL DEPRESSION. Identifiers: Orphanet 178509, MedGen C1868594, MONDO:0008201, OMIM 168605.
Neuronopathy, distal hereditary motor, type 7B. Also called: Distal Hereditary Motor Neuronopathy Type 7B (dHMN7B); NEURONOPATHY, DISTAL HEREDITARY MOTOR, AUTOSOMAL DOMINANT 14; NEURONOPATHY, DISTAL HEREDITARY MOTOR, HARDING TYPE VIIB; NEUROPATHY, DISTAL HEREDITARY MOTOR, HARDING TYPE VIIB; NEUROPATHY, DISTAL HEREDITARY MOTOR, WITH VOCAL CORD PARALYSIS, HARDING TYPE VIIB; HMN VIIB. Identifiers: Orphanet 139589, MedGen C1843315, MONDO:0011879, OMIM 607641.

Submission:

Labcorp Genetics (formerly Invitae), Labcorp
Classification: Uncertain significance for Amyotrophic lateral sclerosis type 1; Neuronopathy, distal hereditary motor, type 7B; Perry syndrome. Last evaluated: 2022-05-22. Review status: criteria provided, single submitter. Criteria: Invitae Variant Classification Sherloc (09022015). Collection method: clinical testing. Allele origin: germline.
Comment: In summary, the available evidence is currently insufficient to determine the role of this variant in disease. Therefore, it has been classified as a Variant of Uncertain Significance. Algorithms developed to predict the effect of missense changes on protein structure and function (SIFT, PolyPhen-2, Align-GVGD) all suggest that this variant is likely to be disruptive. This variant has not been reported in the literature in individuals affected with DCTN1-related conditions. This variant is not present in population databases (gnomAD no frequency). This sequence change replaces arginine, which is basic and polar, with serine, which is neutral and polar, at codon 831 of the DCTN1 protein (p.Arg831Ser).